The following is an entry in ClinVar:

NM_001379286.1(ZNF423):c.2400C>T (p.Thr800=)

Gene: ZNF423 (zinc finger protein 423; minus strand). Cytogenetic location: 16q12.1.
Variant type: single nucleotide variant.
Coding change: c.2400C>T on transcript NM_001379286.1 (MANE Select); coding-DNA position 2400, C replaced by T.
Protein change: p.Thr800=; no amino-acid change (threonine 800 retained).
Molecular consequence: synonymous variant.
Genome position (GRCh38, 1-based): chr16:49,636,776, G>A on the plus strand (C>T on the coding strand, the complement: ZNF423 is on the minus strand). VCF-style: chr16-49636776-G-A. GRCh37 (hg19) VCF-style: chr16-49670687-G-A.
Other names: c.2196C>T, p.Thr732= (NM_001271620.2); c.2025C>T, p.Thr675= (NM_001330533.2); c.2376C>T, p.Thr792= (NM_015069.5); c.2376C>T (NM_015069.4).
Identifiers: ClinVar variation 197824 (VCV000197824.15), dbSNP rs151102991, ClinGen allele CA246179.
Genomic context (GRCh38, chr16:49,636,776, plus strand): 5'-GCAGAACTTACAGTTATACTTCTTGCTGTGTGTGGTGATGTGGCACTGCAGCTCCACCTC[G>A]GTGCTGAAGGTCTCCCCACAGAAGATGCACTTGTGAGCCTTGGCCGGGTTGCCCAGGTGG-3'
Protein context (NP_001366215.1, residues 790-810): KCIFCGETFS[Thr800=]EVELQCHITT

ClinVar aggregate classification (germline): Conflicting classifications of pathogenicity. Review status: criteria provided, conflicting classifications (1 of 4 stars). 4 submissions from 4 submitters: Uncertain significance (1); Likely benign (3). Last evaluated 2026-01-02.

Conditions:
ZNF423-related disorder. Also called: ZNF423-related condition.
Nephronophthisis 14 (NPHP14). Identifiers: Orphanet 2318, MedGen C3539071, MONDO:0013916, OMIM 614844.

Allele frequency attached by ClinVar (database versions not stated): ExAC 0.00018; TOPMed 0.00022; ESP Exome Variant Server 0.00031; gnomAD 0.00034 and 0.00035.
gnomAD v4.1: 452 of 1,614,044 alleles (0.028%); highest among the groups gnomAD compares: Non-Finnish European, 0.037%; no homozygotes.

Submissions (4):

Labcorp Genetics (formerly Invitae), Labcorp
Classification: Likely benign for Nephronophthisis 14. Last evaluated: 2026-01-02. Review status: criteria provided, single submitter. Criteria: Invitae Variant Classification Sherloc (09022015). Collection method: clinical testing. Allele origin: germline.

PreventionGenetics, part of Exact Sciences
Classification: Likely benign for ZNF423-related condition. Last evaluated: 2025-05-05. Review status: criteria provided, single submitter. Criteria: ACMG Guidelines, 2015. Collection method: clinical testing. Allele origin: germline.
Comment: This variant is classified as likely benign based on ACMG/AMP sequence variant interpretation guidelines (Richards et al. 2015 PMID: 25741868, with internal and published modifications).

Blueprint Genetics
Classification: Likely benign. Last evaluated: 2024-11-28. Review status: criteria provided, single submitter. Criteria: ACMG Guidelines, 2015. Collection method: clinical testing. Allele origin: germline.

Eurofins Ntd Llc (ga)
Classification: Uncertain significance. Last evaluated: 2015-04-01. Review status: criteria provided, single submitter. Criteria: EGL Classification Definitions 2015. Collection method: clinical testing. Allele origin: germline. Observed: 1 variant allele, 1 heterozygote.